The following is an entry in ClinVar:

ClinVar aggregate classification (germline): Benign. Review status: criteria provided, multiple submitters, no conflicts (2 of 4 stars). 2 submissions from 2 submitters: Benign (2). Last evaluated 2022-03-01.

Conditions:
Steinert myotonic dystrophy syndrome (DM1). Also called: Myotonic dystrophy type 1; Dystrophia myotonica type 1; Steinert myotonic dystrophy; Steinert's disease; STEINERT DISEASE. Identifiers: Orphanet 273, MedGen C3250443, MONDO:0008056, OMIM 160900.

Submissions (2):

CeGaT Center for Human Genetics Tuebingen
Classification: Benign. Last evaluated: 2022-03-01. Review status: criteria provided, single submitter. Criteria: CeGaT Center For Human Genetics Tuebingen Variant Classification Criteria Version 2. Collection method: clinical testing. Allele origin: germline. Affected: yes. Observed: 1 variant allele.
Comment: DMPK: BS1, BS2

Neuromuscular Research, Maastricht University Medical Centre
Classification: Benign for Steinert myotonic dystrophy syndrome. Last evaluated: 2019-11-26. Review status: criteria provided, single submitter. Criteria: Best practice guidelines on molecular diagnosis DM1 and DM2, Kamsteeg et al. 2012. Collection method: clinical testing. Allele origin: inherited, maternal. Affected: no.

Literature cited by the submitters: PubMed 32203199 (cited by Neuromuscular Research, Maastricht University Medical Centre).

NM_004409.5(DMPK):c.*224CTG[22]

Genes: DM1-AS (DM1 locus antisense RNA; plus strand), DMPK (DM1 protein kinase; minus strand), LOC107075317 (origin of replication in DMPK trinucleotide repeat region; plus strand), LOC109461477 (dystrophia myotonica protein kinase repeat instability region; plus strand). Cytogenetic location: 19q13.32.
Variant type: Microsatellite.
Coding change: c.*224CTG[22] on transcript NM_004409.5 (MANE Select); 22 copies in a row of the 3-base unit CTG starting at c.*224; the reference has 20 copies in a row; two copies, 6 bases duplicated.
Molecular consequence: 3 prime UTR variant.
Genome position (GRCh38, 1-based): chr19:45,770,205-45,770,210, CAGCAG duplicated on the plus strand (CTGCTG on the coding strand, the reverse complement: DMPK is on the minus strand); duplicating any 6 consecutive bases within chr19:45,770,205-45,770,266 gives the same sequence; the position shown is the placement nearest the transcript's 3' end. VCF-style (leftmost placement, unchanged base first): chr19-45770204-C-CCAGCAG. GRCh37 (hg19) VCF-style: chr19-46273462-C-CCAGCAG.
Other names: c.*224CTG[22] (NM_001081560.3, NM_001288764.2, NM_001424165.1 and 1 more transcripts); c.*217CTG[22] (NM_001081562.3, NM_001288765.2, NM_001424162.1 and 2 more transcripts); c.*222_*224TGC[22] (NM_001081563.3); c.*369CTG[22] (NM_001288766.2, NM_001424164.1, NM_001424168.1).
Identifiers: ClinVar variation 810803 (VCV000810803.26), ClinGen allele CA882764920.